The following is an entry in ClinVar:

ClinVar aggregate classification (germline): Likely benign (1 of 4 stars; one submission).

Conditions:
DYRK1B-related disorder. Also called: DYRK1B-related condition.

gnomAD v4.1: 14 of 1,613,830 alleles (0.00087%); highest among the groups gnomAD compares: Non-Finnish European, 0.0012%; no homozygotes.

Submission:

PreventionGenetics, part of Exact Sciences
Classification: Likely benign for DYRK1B-related condition. Last evaluated: 2025-01-13. Review status: criteria provided, single submitter. Criteria: ACMG Guidelines, 2015. Collection method: clinical testing. Allele origin: germline.
Comment: This variant is classified as likely benign based on ACMG/AMP sequence variant interpretation guidelines (Richards et al. 2015 PMID: 25741868, with internal and published modifications).

NM_004714.3(DYRK1B):c.171G>A (p.Lys57=)

Gene: DYRK1B (dual specificity tyrosine phosphorylation regulated kinase 1B; minus strand). Cytogenetic location: 19q13.2.
Variant type: single nucleotide variant.
Coding change: c.171G>A on transcript NM_004714.3 (MANE Select); coding-DNA position 171, G replaced by A.
Protein change: p.Lys57=; no amino-acid change (lysine 57 retained).
Molecular consequence: synonymous variant.
Genome position (GRCh38, 1-based): chr19:39,830,676, C>T on the plus strand (G>A on the coding strand, the complement: DYRK1B is on the minus strand). VCF-style: chr19-39830676-C-T. GRCh37 (hg19) VCF-style: chr19-40321316-C-T.
Other names: c.171G>A, p.Lys57= (NM_006483.3, NM_006484.3).
Identifiers: ClinVar variation 4986449 (VCV004986449.1).